The following is an entry in ClinVar:

ClinVar aggregate classification (germline): Conflicting classifications of pathogenicity. Review status: criteria provided, conflicting classifications (1 of 4 stars). 5 submissions from 5 submitters: Uncertain significance (1); Benign (1); Likely benign (2). 1 of the submissions does not count toward it. Last evaluated 2025-02-10.

Conditions:
PAX8-related disorder. Also called: PAX8-related condition.
Hypothyroidism, congenital, nongoitrous, 2 (CHNG2). Also called: Hypothyroidism, congenital, due to thyroid dysgenesis or hypoplasia. Identifiers: Orphanet 95712, MedGen C1869118, MONDO:0024264, OMIM 218700.
Inborn genetic diseases. Identifiers: MedGen C0950123, MeSH D030342.

Allele frequency attached by ClinVar (database versions not stated): gnomAD exomes 0.00020 and 0.00085; gnomAD 0.00026 and 0.00034; TOPMed 0.00049; ExAC 0.00098; 1000 Genomes Project 0.00160; 1000 Genomes Project 30x 0.00203.
gnomAD v4.1: 395 of 1,610,500 alleles (0.025%); highest among the groups gnomAD compares: East Asian, 0.47%; no homozygotes.

Submissions (5):

Women's Health and Genetics/Laboratory Corporation of America, LabCorp
Classification: Likely benign. Last evaluated: 2025-02-10. Review status: criteria provided, single submitter. Criteria: LabCorp Variant Classification Summary - May 2015. Collection method: clinical testing. Allele origin: germline.

Ambry Genetics
Classification: Likely benign for Inborn genetic diseases. Last evaluated: 2023-09-14. Review status: criteria provided, single submitter. Criteria: Ambry Variant Classification Scheme 2023. Collection method: clinical testing. Allele origin: germline.

Labcorp Genetics (formerly Invitae), Labcorp
Classification: Benign. Last evaluated: 2019-12-31. Review status: criteria provided, single submitter. Criteria: Invitae Variant Classification Sherloc (09022015). Collection method: clinical testing. Allele origin: germline.

Illumina Laboratory Services, Illumina
Classification: Uncertain significance for Hypothyroidism, congenital, nongoitrous, 2. Last evaluated: 2017-04-27. Review status: criteria provided, single submitter. Criteria: ICSL Variant Classification Criteria 13 December 2019. Collection method: clinical testing. Allele origin: germline.
Comment: This variant was observed as part of a predisposition screen in an ostensibly healthy population. A literature search was performed for the gene, cDNA change, and amino acid change (where applicable). Publications were found based on this search. However, the evidence from the literature, in combination with allele frequency data from public databases where available, was not sufficient to rule this variant in or out of causing disease. Therefore, this variant is classified as a variant of unknown significance.

PreventionGenetics, part of Exact Sciences
Classification: Likely benign for PAX8-related condition. Last evaluated: 2019-03-20. Review status: no assertion criteria provided. Collection method: clinical testing. Allele origin: germline. Not counted in ClinVar's aggregate classification.
Comment: This variant is classified as likely benign based on ACMG/AMP sequence variant interpretation guidelines (Richards et al. 2015 PMID: 25741868, with internal and published modifications).

Literature cited by the submitters: PubMed 12116225 (cited by Illumina Laboratory Services, Illumina).

NM_003466.4(PAX8):c.1116C>T (p.Pro372=)

Gene: PAX8 (paired box 8; minus strand). Cytogenetic location: 2q14.1.
Variant type: single nucleotide variant.
Coding change: c.1116C>T on transcript NM_003466.4 (MANE Select); coding-DNA position 1116, C replaced by T.
Protein change: p.Pro372=; no amino-acid change (proline 372 retained).
Molecular consequence: synonymous variant. On other transcripts: missense variant (2), intron variant (1).
Genome position (GRCh38, 1-based): chr2:113,227,228, G>A on the plus strand (C>T on the coding strand, the complement: PAX8 is on the minus strand). VCF-style: chr2-113227228-G-A. GRCh37 (hg19) VCF-style: chr2-113984805-G-A.
Other names: c.1037C>T, p.Pro346Leu (NM_013952.4); c.806C>T, p.Pro269Leu (NM_013953.4); c.778-7050C>T (NM_013992.4); c.1037C>T (NM_013952.3); short protein forms P269L, P346L.
Identifiers: ClinVar variation 704396 (VCV000704396.13), dbSNP rs189229644, ClinGen allele CA1839951.